The following is an entry in ClinVar:

ClinVar aggregate classification (germline): Uncertain significance (1 of 4 stars; one submission).

Conditions:
Inborn genetic diseases. Identifiers: MedGen C0950123, MeSH D030342.

Submission:

Ambry Genetics
Classification: Uncertain significance for Inborn genetic diseases. Last evaluated: 2025-08-24. Review status: criteria provided, single submitter. Criteria: Ambry Variant Classification Scheme 2023. Collection method: clinical testing. Allele origin: germline.
Comment: The p.S563T variant (also known as c.1688G>C), located in coding exon 7 of the SH2B3 gene, results from a G to C substitution at nucleotide position 1688. The serine at codon 563 is replaced by threonine, an amino acid with similar properties. This amino acid position is conserved. In addition, this alteration is predicted to be tolerated by in silico analysis. Based on the available evidence, the clinical significance of this variant remains unclear.

NM_005475.3(SH2B3):c.1688G>C (p.Ser563Thr)

Gene: SH2B3 (SH2B adaptor protein 3; plus strand). Cytogenetic location: 12q24.12.
Variant type: single nucleotide variant.
Coding change: c.1688G>C on transcript NM_005475.3 (MANE Select); coding-DNA position 1688, G replaced by C.
Protein change: p.Ser563Thr; replaces serine 563 with threonine.
Molecular consequence: missense variant.
Genome position (GRCh38, 1-based): chr12:111,448,262, G>C. VCF-style: chr12-111448262-G-C. GRCh37 (hg19) VCF-style: chr12-111886066-G-C.
Other names: c.1082G>C, p.Ser361Thr (NM_001291424.1); short protein forms S361T, S563T.
Identifiers: ClinVar variation 4164005 (VCV004164005.1).